The following is an entry in ClinVar:

ClinVar aggregate classification (germline): Uncertain significance (1 of 4 stars; one submission).

Conditions:
Inborn genetic diseases. Identifiers: MedGen C0950123, MeSH D030342.

Allele frequency attached by ClinVar (database versions not stated): gnomAD exomes 0.00001.
gnomAD v4.1: 11 of 1,613,780 alleles (0.00068%); highest among the groups gnomAD compares: African/African-American, 0.0013%; no homozygotes.

Submission:

Ambry Genetics
Classification: Uncertain significance for Inborn genetic diseases. Last evaluated: 2018-04-26. Review status: criteria provided, single submitter. Criteria: Ambry Variant Classification Scheme 2023. Collection method: clinical testing. Allele origin: germline.
Comment: The p.I1033V variant (also known as c.3097A>G), located in coding exon 15 of the NRXN1 gene, results from an A to G substitution at nucleotide position 3097. The isoleucine at codon 1033 is replaced by valine, an amino acid with highly similar properties. This amino acid position is highly conserved in available vertebrate species. In addition, the in silico prediction for this alteration is inconclusive. Since supporting evidence is limited at this time, the clinical significance of this alteration remains unclear.

NM_001330078.2(NRXN1):c.2977A>G (p.Ile993Val)

Gene: NRXN1 (neurexin 1; minus strand). Cytogenetic location: 2p16.3.
Variant type: single nucleotide variant.
Coding change: c.2977A>G on transcript NM_001330078.2 (MANE Select); coding-DNA position 2977, A replaced by G.
Protein change: p.Ile993Val; replaces isoleucine 993 with valine.
Molecular consequence: missense variant.
Genome position (GRCh38, 1-based): chr2:50,495,998, T>C on the plus strand (A>G on the coding strand, the complement: NRXN1 is on the minus strand). VCF-style: chr2-50495998-T-C. GRCh37 (hg19) VCF-style: chr2-50723136-T-C.
Other names: c.3097A>G, p.Ile1033Val (NM_001135659.3); c.2953A>G, p.Ile985Val (NM_001330077.2, NM_001330082.2); c.2911A>G, p.Ile971Val (NM_001330083.2, NM_001330084.2); c.2950A>G, p.Ile984Val (NM_001330085.2); c.2977A>G, p.Ile993Val (NM_001330086.2, NM_004801.6); c.2866A>G, p.Ile956Val (NM_001330087.2, NM_001330096.2); c.2896A>G, p.Ile966Val (NM_001330088.2); c.2974A>G, p.Ile992Val (NM_001330093.2); and 2 more; short protein forms I956V, I1033V, I985V, I976V, I984V, I992V, I993V, I966V.
Identifiers: ClinVar variation 1727521 (VCV001727521.2), dbSNP rs2091592596, ClinGen allele CA346776430.